The following is an entry in ClinVar:

NM_017534.6(MYH2):c.1161G>A (p.Ala387=)

Genes: MYHAS (myosin heavy chain gene cluster antisense RNA; plus strand), MYH2 (myosin heavy chain 2; minus strand). Cytogenetic location: 17p13.1.
Variant type: single nucleotide variant.
Coding change: c.1161G>A on transcript NM_017534.6 (MANE Select); coding-DNA position 1161, G replaced by A.
Protein change: p.Ala387=; no amino-acid change (alanine 387 retained).
Molecular consequence: synonymous variant.
Genome position (GRCh38, 1-based): chr17:10,539,549, C>T on the plus strand (G>A on the coding strand, the complement: MYH2 is on the minus strand). VCF-style: chr17-10539549-C-T. GRCh37 (hg19) VCF-style: chr17-10442866-C-T.
Other names: c.1161G>A, p.Ala387= (NM_001100112.2).
Identifiers: ClinVar variation 465920 (VCV000465920.26), dbSNP rs141134519, ClinGen allele CA8391431.

ClinVar aggregate classification (germline): Benign/Likely benign. Review status: criteria provided, multiple submitters, no conflicts (2 of 4 stars). 3 submissions from 3 submitters: Benign (1); Likely benign (2). Last evaluated 2025-12-01.

Conditions:
Myopathy, proximal, and ophthalmoplegia (CMYO6). Also called: INCLUSION BODY MYOPATHY 3, AUTOSOMAL DOMINANT; MYOPATHY WITH CONGENITAL JOINT CONTRACTURES, OPHTHALMOPLEGIA, AND RIMMED VACUOLES; CONGENITAL MYOPATHY 6 WITH OPHTHALMOPLEGIA. Identifiers: Orphanet 363677, Orphanet 79091, MedGen C1854106, MONDO:0011577, OMIM 605637.

Allele frequency attached by ClinVar (database versions not stated): gnomAD 0.00006 and 0.00014; TOPMed 0.00008; ESP Exome Variant Server 0.00015; gnomAD exomes 0.00047; ExAC 0.00053; 1000 Genomes Project 0.00140; 1000 Genomes Project 30x 0.00141.
gnomAD v4.1: 344 of 1,613,820 alleles (0.021%); highest among the groups gnomAD compares: South Asian, 0.24%; 1 homozygote.

Submissions (3):

Labcorp Genetics (formerly Invitae), Labcorp
Classification: Benign for Myopathy, proximal, and ophthalmoplegia. Last evaluated: 2025-12-01. Review status: criteria provided, single submitter. Criteria: Invitae Variant Classification Sherloc (09022015). Collection method: clinical testing. Allele origin: germline.

CeGaT Center for Human Genetics Tuebingen
Classification: Likely benign. Last evaluated: 2025-03-01. Review status: criteria provided, single submitter. Criteria: CeGaT Center For Human Genetics Tuebingen Variant Classification Criteria Version 2. Collection method: clinical testing. Allele origin: germline. Affected: yes. Observed: 2 variant alleles.
Comment: MYH2: BP4, BP7

Blueprint Genetics
Classification: Likely benign. Last evaluated: 2024-08-30. Review status: criteria provided, single submitter. Criteria: ACMG Guidelines, 2015. Collection method: clinical testing. Allele origin: germline.